The following is an entry in ClinVar:

NM_000202.8(IDS):c.940del (p.Leu314fs)

Genes: IDS (iduronate 2-sulfatase; minus strand), LOC106050102 (IDS recombination region; plus strand). Cytogenetic location: Xq28.
Variant type: Deletion.
Coding change: c.940del on transcript NM_000202.8 (MANE Select); coding-DNA position 940, one base deleted (C; older notation c.940delC).
Protein change: p.Leu314fs; shifts the reading frame from leucine 314.
Molecular consequence: frameshift variant. On other transcripts: non-coding transcript variant (1).
Genome position (GRCh38, 1-based): chrX:149,490,380, G deleted on the plus strand (C on the coding strand, the reverse complement: IDS is on the minus strand); the first of 2 consecutive G bases (chrX:149,490,380-149,490,381); deleting either gives the same sequence. VCF-style (leftmost placement, unchanged base first): chrX-149490379-AG-A. GRCh37 (hg19) VCF-style: chrX-148571910-AG-A.
Other names: c.670del, p.Leu224fs (NM_001166550.4); c.940del, p.Leu314fs (NM_006123.5); short protein forms L224fs, L314fs.
Identifiers: ClinVar variation 3255889 (VCV003255889.2).

ClinVar aggregate classification (germline): Pathogenic (1 of 4 stars; one submission).

Conditions:
Mucopolysaccharidosis, MPS-II (MPS2). Also called: Hunter Syndrome; IDURONATE 2-SULFATASE DEFICIENCY; Mucopolysaccharidosis Type II; Mucopolysaccharidosis type 2; Attenuated MPS (subtype; formerly known as mild MPS II); Severe MPS II. Identifiers: Orphanet 580, Orphanet 79388, MedGen C0026705, MONDO:0010674, OMIM 309900.

Submission:

Laboratory of Diagnosis and Therapy of Lysosomal Disorders, University of Padova
Classification: Pathogenic for Mucopolysaccharidosis, MPS-II. Last evaluated: 2024-06-07. Review status: criteria provided, single submitter. Criteria: ACMG Guidelines, 2015. Collection method: literature only. Allele origin: germline. Affected: yes. Observed: 1 variant allele.
Comment: Null variant (PVS1_VeryStrong), Absent from controls (or at low frequency) in gnomAD database (PM2_Moderate), Patient’s phenotype or family history highly specific for the disease (PP4_Strong)

Classification method: ACMG Guidelines [PMID:25741868] with modifications

Literature cited by the submitters: PubMed 31877959.